The following is an entry in ClinVar:

ClinVar aggregate classification (germline): Uncertain significance (1 of 4 stars; one submission).

Allele frequency attached by ClinVar (database versions not stated): gnomAD 0.00001; gnomAD exomes 0.00001; TOPMed 0.00001.
gnomAD v4.1: 5 of 1,601,526 alleles (0.00031%); highest among the groups gnomAD compares: Non-Finnish European, 0.00043%; no homozygotes.

Submission:

Labcorp Genetics (formerly Invitae), Labcorp
Classification: Uncertain significance. Last evaluated: 2025-01-13. Review status: criteria provided, single submitter. Criteria: Invitae Variant Classification Sherloc (09022015). Collection method: clinical testing. Allele origin: germline.
Comment: This sequence change replaces asparagine, which is neutral and polar, with serine, which is neutral and polar, at codon 990 of the POLR3A protein (p.Asn990Ser). This variant is not present in population databases (gnomAD no frequency). This variant has not been reported in the literature in individuals affected with POLR3A-related conditions. ClinVar contains an entry for this variant (Variation ID: 1422411). Invitae Evidence Modeling of protein sequence and biophysical properties (such as structural, functional, and spatial information, amino acid conservation, physicochemical variation, residue mobility, and thermodynamic stability) indicates that this missense variant is not expected to disrupt POLR3A protein function with a negative predictive value of 80%. In summary, the available evidence is currently insufficient to determine the role of this variant in disease. Therefore, it has been classified as a Variant of Uncertain Significance.

NM_007055.4(POLR3A):c.2969A>G (p.Asn990Ser)

Gene: POLR3A (RNA polymerase III subunit A; minus strand). Cytogenetic location: 10q22.3.
Variant type: single nucleotide variant.
Coding change: c.2969A>G on transcript NM_007055.4 (MANE Select); coding-DNA position 2969, A replaced by G.
Protein change: p.Asn990Ser; replaces asparagine 990 with serine.
Molecular consequence: missense variant.
Genome position (GRCh38, 1-based): chr10:77,986,092, T>C on the plus strand (A>G on the coding strand, the complement: POLR3A is on the minus strand). VCF-style: chr10-77986092-T-C. GRCh37 (hg19) VCF-style: chr10-79745850-T-C.
Other names: short protein forms N990S.
Identifiers: ClinVar variation 1422411 (VCV001422411.6), dbSNP rs962962018, ClinGen allele CA210191445.